The following is an entry in ClinVar:

NM_001145718.3(CT47B1):c.425A>T (p.Gln142Leu)

Gene: CT47B1 (cancer/testis antigen family 47 member B1; minus strand). Cytogenetic location: Xq24.
Variant type: single nucleotide variant.
Coding change: c.425A>T on transcript NM_001145718.3 (MANE Select); coding-DNA position 425, A replaced by T.
Protein change: p.Gln142Leu; replaces glutamine 142 with leucine.
Molecular consequence: missense variant.
Genome position (GRCh38, 1-based): chrX:120,875,246, T>A on the plus strand (A>T on the coding strand, the complement: CT47B1 is on the minus strand). VCF-style: chrX-120875246-T-A. GRCh37 (hg19) VCF-style: chrX-120009100-T-A.
Other names: short protein forms Q142L.
Identifiers: ClinVar variation 2661337 (VCV002661337.24), dbSNP rs760445575, ClinGen allele CA10506234.

ClinVar aggregate classification (germline): Likely benign (1 of 4 stars; one submission).

Allele frequency attached by ClinVar (database versions not stated): ExAC 0.00001; 1000 Genomes Project 30x 0.00021.
gnomAD v4.1: 25 of 1,210,127 alleles (0.0021%); highest among the groups gnomAD compares: East Asian, 0.0059%; no homozygotes.

Submission:

CeGaT Center for Human Genetics Tuebingen
Classification: Likely benign. Last evaluated: 2023-02-01. Review status: criteria provided, single submitter. Criteria: CeGaT Center For Human Genetics Tuebingen Variant Classification Criteria Version 2. Collection method: clinical testing. Allele origin: germline. Affected: yes. Observed: 1 variant allele.
Comment: CT47B1: BP4, BS2